The following is an entry in ClinVar:

ClinVar aggregate classification (germline): Uncertain significance (1 of 4 stars; one submission).

Conditions:
RASopathy. Also called: rasopathies; Noonan spectrum disorder. Identifiers: Orphanet 536391, MedGen C5555857, MONDO:0021060.

Submission:

Labcorp Genetics (formerly Invitae), Labcorp
Classification: Uncertain significance for RASopathy. Last evaluated: 2025-04-09. Review status: criteria provided, single submitter. Criteria: Invitae Variant Classification Sherloc (09022015). Collection method: clinical testing. Allele origin: germline.
Comment: This sequence change replaces lysine, which is basic and polar, with glutamic acid, which is acidic and polar, at codon 519 of the SOS1 protein (p.Lys519Glu). This variant is not present in population databases (gnomAD no frequency). This variant has not been reported in the literature in individuals affected with SOS1-related conditions. ClinVar contains an entry for this variant (Variation ID: 3624990). Invitae Evidence Modeling of protein sequence and biophysical properties (such as structural, functional, and spatial information, amino acid conservation, physicochemical variation, residue mobility, and thermodynamic stability) indicates that this missense variant is expected to disrupt SOS1 protein function with a positive predictive value of 80%. In summary, the available evidence is currently insufficient to determine the role of this variant in disease. Therefore, it has been classified as a Variant of Uncertain Significance.

NM_005633.4(SOS1):c.1555A>G (p.Lys519Glu)

Gene: SOS1 (SOS Ras/Rac guanine nucleotide exchange factor 1; minus strand). Cytogenetic location: 2p22.1.
Variant type: single nucleotide variant.
Coding change: c.1555A>G on transcript NM_005633.4 (MANE Select); coding-DNA position 1555, A replaced by G.
Protein change: p.Lys519Glu; replaces lysine 519 with glutamic acid.
Molecular consequence: missense variant.
Genome position (GRCh38, 1-based): chr2:39,022,873, T>C on the plus strand (A>G on the coding strand, the complement: SOS1 is on the minus strand). VCF-style: chr2-39022873-T-C. GRCh37 (hg19) VCF-style: chr2-39250014-T-C.
Other names: c.1534A>G, p.Lys512Glu (NM_001382394.1); c.1555A>G, p.Lys519Glu (NM_001382395.1); short protein forms K512E, K519E.
Identifiers: ClinVar variation 3624990 (VCV003624990.2).